The following is an entry in ClinVar:

ClinVar aggregate classification (germline): Uncertain significance (1 of 4 stars; one submission).

Allele frequency attached by ClinVar (database versions not stated): gnomAD exomes 0.00001; ExAC 0.00002; gnomAD 0.00002; TOPMed 0.00003.

Submission:

Labcorp Genetics (formerly Invitae), Labcorp
Classification: Uncertain significance. Last evaluated: 2023-10-06. Review status: criteria provided, single submitter. Criteria: Invitae Variant Classification Sherloc (09022015). Collection method: clinical testing. Allele origin: germline.
Comment: This sequence change replaces proline, which is neutral and non-polar, with leucine, which is neutral and non-polar, at codon 95 of the NDUFB8 protein (p.Pro95Leu). This variant is present in population databases (rs779843883, gnomAD 0.01%). This variant has not been reported in the literature in individuals affected with NDUFB8-related conditions. An algorithm developed to predict the effect of missense changes on protein structure and function (PolyPhen-2) suggests that this variant is likely to be disruptive. In summary, the available evidence is currently insufficient to determine the role of this variant in disease. Therefore, it has been classified as a Variant of Uncertain Significance.

NM_005004.4(NDUFB8):c.284C>T (p.Pro95Leu)

Gene: NDUFB8 (NADH:ubiquinone oxidoreductase subunit B8; minus strand). Cytogenetic location: 10q24.31.
Variant type: single nucleotide variant.
Coding change: c.284C>T on transcript NM_005004.4 (MANE Select); coding-DNA position 284, C replaced by T.
Protein change: p.Pro95Leu; replaces proline 95 with leucine.
Molecular consequence: missense variant.
Genome position (GRCh38, 1-based): chr10:100,527,003, G>A on the plus strand (C>T on the coding strand, the complement: NDUFB8 is on the minus strand). VCF-style: chr10-100527003-G-A. GRCh37 (hg19) VCF-style: chr10-102286760-G-A.
Other names: c.284C>T, p.Pro95Leu (NM_001284367.2); c.191C>T, p.Pro64Leu (NM_001284368.1); short protein forms P95L, P64L.
Identifiers: ClinVar variation 2885656 (VCV002885656.3), dbSNP rs779843883, ClinGen allele CA5650192.